The following is an entry in ClinVar:

NM_182914.3(SYNE2):c.2607G>A (p.Gly869=)

Gene: SYNE2 (spectrin repeat containing nuclear envelope protein 2; plus strand). Cytogenetic location: 14q23.2.
Variant type: single nucleotide variant.
Coding change: c.2607G>A on transcript NM_182914.3 (MANE Select); coding-DNA position 2607, G replaced by A.
Protein change: p.Gly869=; no amino-acid change (glycine 869 retained).
Molecular consequence: synonymous variant.
Genome position (GRCh38, 1-based): chr14:63,991,076, G>A. VCF-style: chr14-63991076-G-A. GRCh37 (hg19) VCF-style: chr14-64457794-G-A.
Other names: c.2607G>A, p.Gly869= (NM_015180.6).
Identifiers: ClinVar variation 3905544 (VCV003905544.10).

ClinVar aggregate classification (germline): Likely benign (1 of 4 stars; one submission).

Submission:

CeGaT Center for Human Genetics Tuebingen
Classification: Likely benign. Last evaluated: 2025-05-01. Review status: criteria provided, single submitter. Criteria: CeGaT Center For Human Genetics Tuebingen Variant Classification Criteria Version 2. Collection method: clinical testing. Allele origin: germline. Affected: yes. Observed: 1 variant allele.
Comment: SYNE2: PM2:Supporting, BP4, BP7